The following is an entry in ClinVar:

NM_001035.3(RYR2):c.819C>T (p.Ser273=)

Gene: RYR2 (ryanodine receptor 2; plus strand). Cytogenetic location: 1q43.
Variant type: single nucleotide variant.
Coding change: c.819C>T on transcript NM_001035.3 (MANE Select); coding-DNA position 819, C replaced by T.
Protein change: p.Ser273=; no amino-acid change (serine 273 retained).
Molecular consequence: synonymous variant.
Genome position (GRCh38, 1-based): chr1:237,417,094, C>T. VCF-style: chr1-237417094-C-T. GRCh37 (hg19) VCF-style: chr1-237580394-C-T.
Identifiers: ClinVar variation 702104 (VCV000702104.56), dbSNP rs746461178, ClinGen allele CA087577.
Genomic context (GRCh38, chr1:237,417,094, plus strand): 5'-TGTTTGTTGAAACAGAACTGTTCATTATGAAGGTGGCGCTGTGTCTGTTCATGCACGTTC[C>T]CTTTGGAGACTAGAGACGCTAAGAGTTGCGTAAGTAGAACTTCTAAACACAGCCTAATGC-3'
Protein context (NP_001026.2, residues 263-283): EGGAVSVHAR[Ser273=]LWRLETLRVA

ClinVar aggregate classification (germline): Likely benign. Review status: criteria provided, multiple submitters, no conflicts (2 of 4 stars). 5 submissions from 5 submitters: Likely benign (5). Last evaluated 2025-07-27.

Conditions:
Catecholaminergic polymorphic ventricular tachycardia (CVPT). Also called: Catecholamine-induced polymorphic ventricular tachycardia. Identifiers: Orphanet 3286, MedGen C5574922, MONDO:0017990.
Cardiomyopathy (CMYO). Also called: Cardiomyopathies. Identifiers: Orphanet 167848, MedGen C0878544, MONDO:0004994, HP:0001638. Inheritance: Various modes of inheritance.
Cardiovascular phenotype. Identifiers: MedGen CN230736.
Catecholaminergic polymorphic ventricular tachycardia 1. Also called: VENTRICULAR TACHYCARDIA, CATECHOLAMINERGIC POLYMORPHIC, 1, WITH OR WITHOUT ATRIAL DYSFUNCTION AND/OR DILATED CARDIOMYOPATHY; VENTRICULAR TACHYCARDIA, STRESS-INDUCED POLYMORPHIC 1; RYR2-Related Catecholaminergic Polymorphic Ventricular Tachycardia. Identifiers: Orphanet 3286, MedGen C1631597, MONDO:0011484, OMIM 604772.

Allele frequency attached by ClinVar (database versions not stated): gnomAD exomes below 0.00001 and 0.00001; gnomAD 0.00001; ExAC 0.00002; TOPMed 0.00002.
gnomAD v4.1: 11 of 1,613,642 alleles (0.00068%); highest among the groups gnomAD compares: East Asian, 0.0045%; no homozygotes.

Submissions (5):

Labcorp Genetics (formerly Invitae), Labcorp
Classification: Likely benign for Catecholaminergic polymorphic ventricular tachycardia 1. Last evaluated: 2025-07-27. Review status: criteria provided, single submitter. Criteria: Invitae Variant Classification Sherloc (09022015). Collection method: clinical testing. Allele origin: germline.

All of Us Research Program, National Institutes of Health
Classification: Likely benign for Catecholaminergic polymorphic ventricular tachycardia. Last evaluated: 2023-12-09. Review status: criteria provided, single submitter. Criteria: ACMG Guidelines, 2015. Collection method: clinical testing. Allele origin: germline. Inheritance: Autosomal dominant inheritance. Observed: 6 variant alleles, 6 heterozygotes.
Comment: This study involves interpretation of variants in research participants for the purpose of population health screening. Participant phenotype was not available at the time of variant classification. Additional details can be found in publication PMID: 35346344, PMCID: PMC8962531

Women's Health and Genetics/Laboratory Corporation of America, LabCorp
Classification: Likely benign. Last evaluated: 2023-01-21. Review status: criteria provided, single submitter. Criteria: LabCorp Variant Classification Summary - May 2015. Collection method: clinical testing. Allele origin: germline.

Ambry Genetics
Classification: Likely benign for Cardiovascular phenotype. Last evaluated: 2019-12-19. Review status: criteria provided, single submitter. Criteria: Ambry Variant Classification Scheme 2023. Collection method: clinical testing. Allele origin: germline.

Color Diagnostics, LLC DBA Color Health
Classification: Likely benign for Cardiomyopathy. Last evaluated: 2019-08-20. Review status: criteria provided, single submitter. Criteria: ACMG Guidelines, 2015. Collection method: clinical testing. Allele origin: germline.